The following is an entry in ClinVar:

ClinVar aggregate classification (germline): Uncertain significance (1 of 4 stars; one submission).

Allele frequency attached by ClinVar (database versions not stated): gnomAD 0.00001; TOPMed 0.00001; gnomAD exomes 0.00002.
gnomAD v4.1: 27 of 1,551,586 alleles (0.0017%); highest among the groups gnomAD compares: Non-Finnish European, 0.0023%; no homozygotes.

Submission:

CeGaT Center for Human Genetics Tuebingen
Classification: Uncertain significance. Last evaluated: 2023-11-01. Review status: criteria provided, single submitter. Criteria: CeGaT Center For Human Genetics Tuebingen Variant Classification Criteria Version 2. Collection method: clinical testing. Allele origin: germline. Affected: yes. Observed: 1 variant allele.
Comment: LOXHD1: PM2

NM_001384474.1(LOXHD1):c.4777C>G (p.Pro1593Ala)

Gene: LOXHD1 (lipoxygenase homology PLAT domains 1; minus strand). Cytogenetic location: 18q21.1.
Variant type: single nucleotide variant.
Coding change: c.4777C>G on transcript NM_001384474.1 (MANE Select); coding-DNA position 4777, C replaced by G.
Protein change: p.Pro1593Ala; replaces proline 1593 with alanine.
Molecular consequence: missense variant.
Genome position (GRCh38, 1-based): chr18:46,524,565, G>C on the plus strand (C>G on the coding strand, the complement: LOXHD1 is on the minus strand). VCF-style: chr18-46524565-G-C. GRCh37 (hg19) VCF-style: chr18-44104528-G-C.
Other names: c.1444C>G, p.Pro482Ala (NM_001145472.3); c.1156C>G, p.Pro386Ala (NM_001308013.2); c.4777C>G, p.Pro1593Ala (NM_144612.7); short protein forms P1593A, P386A, P482A.
Identifiers: ClinVar variation 2672727 (VCV002672727.23), dbSNP rs1236275360, ClinGen allele CA402372840.